The following is an entry in ClinVar:

ClinVar aggregate classification (germline): Pathogenic. Review status: criteria provided, multiple submitters, no conflicts (2 of 4 stars). 3 submissions from 3 submitters: Pathogenic (2). 1 of the submissions does not count toward it. Last evaluated 2023-02-14.

Conditions:
Xeroderma pigmentosum group A (XPA). Also called: Xeroderma pigmentosum, complementation group A; XP, group A; XPA-Related Xeroderma Pigmentosum. Identifiers: Orphanet 910, MedGen C0268135, MONDO:0010210, OMIM 278700.

Submissions (3):

Labcorp Genetics (formerly Invitae), Labcorp
Classification: Pathogenic. Last evaluated: 2023-02-14. Review status: criteria provided, single submitter. Criteria: Invitae Variant Classification Sherloc (09022015). Collection method: clinical testing. Allele origin: germline.
Comment: For these reasons, this variant has been classified as Pathogenic. Algorithms developed to predict the effect of sequence changes on RNA splicing suggest that this variant may disrupt the consensus splice site. ClinVar contains an entry for this variant (Variation ID: 557410). Disruption of this splice site has been observed in individuals with xeroderma pigmentosum (PMID: 27607234). This variant is not present in population databases (gnomAD no frequency). This sequence change affects a donor splice site in intron 3 of the XPA gene. It is expected to disrupt RNA splicing. Variants that disrupt the donor or acceptor splice site typically lead to a loss of protein function (PMID: 16199547), and loss-of-function variants in XPA are known to be pathogenic (PMID: 27607234).

3billion
Classification: Pathogenic for Xeroderma pigmentosum group A. Review status: criteria provided, single submitter. Criteria: ACMG Guidelines, 2015. Collection method: clinical testing. Allele origin: unknown. Affected: yes. Observed: 1 homozygote.
Comment: The variant is not observed in the gnomAD v2.1.1 dataset. The variant is predicted to alter splicing and result in a loss or disruption of normal protein function. Multiple pathogenic loss-of-function variants are reported downstream of the variant. The variant has been reported to be associated with XPA related disorder (ClinVar ID: VCV000557410). Therefore, this variant is classified as Pathogenic according to the recommendation of ACMG/AMP guideline.

Counsyl
Classification: Likely pathogenic for Xeroderma pigmentosum group A. Last evaluated: 2018-03-30. Review status: no assertion criteria provided. Collection method: clinical testing. Allele origin: unknown. Not counted in ClinVar's aggregate classification.

Literature cited by the submitters: PubMed 27607234 (cited by Labcorp Genetics (formerly Invitae), Labcorp); PubMed 16199547 (cited by Labcorp Genetics (formerly Invitae), Labcorp).

NM_000380.4(XPA):c.389+1G>A

Gene: XPA (XPA, DNA damage recognition and repair factor; minus strand). Cytogenetic location: 9q22.33.
Variant type: single nucleotide variant.
Coding change: c.389+1G>A on transcript NM_000380.4 (MANE Select); the canonical splice donor site of the intron after coding-DNA position 389, G replaced by A.
Molecular consequence: splice donor variant.
Genome position (GRCh38, 1-based): chr9:97,689,533, C>T on the plus strand (G>A on the coding strand, the complement: XPA is on the minus strand). VCF-style: chr9-97689533-C-T. GRCh37 (hg19) VCF-style: chr9-100451815-C-T.
Other names: c.263+1G>A (NM_001354975.2).
Identifiers: ClinVar variation 557410 (VCV000557410.6), dbSNP rs1554701931, ClinGen allele CA374187665.
Genomic context (GRCh38, chr9:97,689,533, plus strand): 5'-TGTTTTGCCCTAAACCTACACATAAACATTAGCAATTAAGAACACCATCTAAAATAAGTA[C>T]CTGCAGTTATCACAAGTTGGCAAATCAAAGTGGTTCATAAGATAAGAATCCATAAATTCT-3'